The following is an entry in ClinVar:

NM_182914.3(SYNE2):c.19302C>T (p.Asp6434=)

Gene: SYNE2 (spectrin repeat containing nuclear envelope protein 2; plus strand). Cytogenetic location: 14q23.2.
Variant type: single nucleotide variant.
Coding change: c.19302C>T on transcript NM_182914.3 (MANE Select); coding-DNA position 19302, C replaced by T.
Protein change: p.Asp6434=; no amino-acid change (aspartic acid 6434 retained).
Molecular consequence: synonymous variant.
Genome position (GRCh38, 1-based): chr14:64,214,439, C>T. VCF-style: chr14-64214439-C-T. GRCh37 (hg19) VCF-style: chr14-64681157-C-T.
Other names: c.19302C>T (NM_182914.2); c.19302C>T, p.Asp6434= (NM_015180.6); c.204C>T, p.Asp68= (NM_182913.4).
Identifiers: ClinVar variation 1663111 (VCV001663111.11), dbSNP rs370677320, ClinGen allele CA7224369.

ClinVar aggregate classification (germline): Likely benign. Review status: criteria provided, multiple submitters, no conflicts (2 of 4 stars). 3 submissions from 3 submitters: Likely benign (2). 1 of the submissions does not count toward it. Last evaluated 2024-01-12.

Conditions:
SYNE2-related disorder. Also called: SYNE2-related condition.
Emery-Dreifuss muscular dystrophy 5, autosomal dominant (EDMD5). Also called: EMERY-DREIFUSS MUSCULAR DYSTROPHY 5. Identifiers: Orphanet 261, MedGen C2751805, MONDO:0013072, OMIM 612999.

Allele frequency attached by ClinVar (database versions not stated): gnomAD 0.00001; ExAC 0.00003; gnomAD exomes 0.00003; TOPMed 0.00003; ESP Exome Variant Server 0.00008.
gnomAD v4.1: 14 of 1,613,538 alleles (0.00087%); highest among the groups gnomAD compares: Admixed American, 0.005%; no homozygotes.

Submissions (3):

Blueprint Genetics
Classification: Likely benign. Last evaluated: 2024-01-12. Review status: criteria provided, single submitter. Criteria: ACMG Guidelines, 2015. Collection method: clinical testing. Allele origin: germline.

Labcorp Genetics (formerly Invitae), Labcorp
Classification: Likely benign for Emery-Dreifuss muscular dystrophy 5, autosomal dominant. Last evaluated: 2022-03-18. Review status: criteria provided, single submitter. Criteria: Invitae Variant Classification Sherloc (09022015). Collection method: clinical testing. Allele origin: germline.

PreventionGenetics, part of Exact Sciences
Classification: Likely benign for SYNE2-related condition. Last evaluated: 2019-08-14. Review status: no assertion criteria provided. Collection method: clinical testing. Allele origin: germline. Not counted in ClinVar's aggregate classification.
Comment: This variant is classified as likely benign based on ACMG/AMP sequence variant interpretation guidelines (Richards et al. 2015 PMID: 25741868, with internal and published modifications).